The following is an entry in ClinVar:

NM_004208.4(AIFM1):c.1770+5G>T

Genes: AIFM1 (apoptosis inducing factor mitochondria associated 1; minus strand), RAB33A (RAB33A, member RAS oncogene family; plus strand). Cytogenetic location: Xq26.1.
Variant type: single nucleotide variant.
Coding change: c.1770+5G>T on transcript NM_004208.4 (MANE Select); 5 bases into the intron after coding-DNA position 1770, G replaced by T.
Molecular consequence: intron variant.
Genome position (GRCh38, 1-based): chrX:130,129,965, C>A on the plus strand (G>T on the coding strand, the complement: AIFM1 is on the minus strand). VCF-style: chrX-130129965-C-A. GRCh37 (hg19) VCF-style: chrX-129263940-C-A.
Other names: c.1758+5G>T (NM_145812.3); c.*998+5G>T (NM_001130847.4); c.753+5G>T (NM_001130846.4).
Identifiers: ClinVar variation 1377373 (VCV001377373.6), dbSNP rs754828679, ClinGen allele CA10515226.

ClinVar aggregate classification (germline): Uncertain significance (1 of 4 stars; one submission).

Conditions:
Charcot-Marie-Tooth Neuropathy X. Identifiers: MedGen CN118851.
Combined oxidative phosphorylation deficiency. Identifiers: MedGen C4540031, MONDO:0000732.

Allele frequency attached by ClinVar (database versions not stated): ExAC 0.00001; gnomAD exomes 0.00001.

Submission:

Labcorp Genetics (formerly Invitae), Labcorp
Classification: Uncertain significance for Charcot-Marie-Tooth Neuropathy X; Combined oxidative phosphorylation deficiency. Last evaluated: 2021-08-24. Review status: criteria provided, single submitter. Criteria: Invitae Variant Classification Sherloc (09022015). Collection method: clinical testing. Allele origin: germline.
Comment: In summary, the available evidence is currently insufficient to determine the role of this variant in disease. Therefore, it has been classified as a Variant of Uncertain Significance. Variants that disrupt the consensus splice site are a relatively common cause of aberrant splicing (PMID: 17576681, 9536098). Algorithms developed to predict the effect of sequence changes on RNA splicing suggest that this variant may disrupt the consensus splice site. This variant has not been reported in the literature in individuals affected with AIFM1-related conditions. This variant is present in population databases (rs754828679, ExAC 0.002%). This sequence change falls in intron 15 of the AIFM1 gene. It does not directly change the encoded amino acid sequence of the AIFM1 protein. It affects a nucleotide within the consensus splice site of the intron.

Literature cited by the submitters: PubMed 17576681; PubMed 9536098.